The following is an entry in ClinVar:

NM_172364.5(CACNA2D4):c.486+1G>A

Gene: CACNA2D4 (calcium voltage-gated channel auxiliary subunit alpha2delta 4; minus strand). Cytogenetic location: 12p13.33.
Variant type: single nucleotide variant.
Coding change: c.486+1G>A on transcript NM_172364.5 (MANE Select); the canonical splice donor site of the intron after coding-DNA position 486, G replaced by A.
Molecular consequence: splice donor variant.
Genome position (GRCh38, 1-based): chr12:1,909,905, C>T on the plus strand (G>A on the coding strand, the complement: CACNA2D4 is on the minus strand). VCF-style: chr12-1909905-C-T. GRCh37 (hg19) VCF-style: chr12-2019071-C-T.
Identifiers: ClinVar variation 997514 (VCV000997514.10), dbSNP rs753550788, ClinGen allele CA6387516.

ClinVar aggregate classification (germline): Uncertain significance. Review status: criteria provided, multiple submitters, no conflicts (2 of 4 stars). 2 submissions from 2 submitters: Uncertain significance (2). Last evaluated 2025-06-15.

Allele frequency attached by ClinVar (database versions not stated): gnomAD exomes 0.00001 and 0.00004; TOPMed 0.00002; ExAC 0.00003.
gnomAD v4.1: 21 of 1,613,414 alleles (0.0013%); highest among the groups gnomAD compares: Admixed American, 0.0083%; no homozygotes.

Submissions (2):

Labcorp Genetics (formerly Invitae), Labcorp
Classification: Uncertain significance. Last evaluated: 2025-06-15. Review status: criteria provided, single submitter. Criteria: Invitae Variant Classification Sherloc (09022015). Collection method: clinical testing. Allele origin: germline.
Comment: This sequence change affects a donor splice site in intron 4 of the CACNA2D4 gene. It is expected to disrupt RNA splicing. Variants that disrupt the donor or acceptor splice site typically lead to a loss of protein function (PMID: 16199547), however the current clinical and genetic evidence is not sufficient to establish whether loss-of-function variants in CACNA2D4 cause disease. This variant is present in population databases (rs753550788, gnomAD 0.01%). This variant has not been reported in the literature in individuals affected with CACNA2D4-related conditions. ClinVar contains an entry for this variant (Variation ID: 997514). Algorithms developed to predict the effect of sequence changes on RNA splicing suggest that this variant may disrupt the consensus splice site. In summary, the available evidence is currently insufficient to determine the role of this variant in disease. Therefore, it has been classified as a Variant of Uncertain Significance.

Blueprint Genetics
Classification: Uncertain significance. Last evaluated: 2020-04-14. Review status: criteria provided, single submitter. Criteria: ACMG Guidelines, 2015. Collection method: clinical testing. Allele origin: germline.

Literature cited by the submitters: PubMed 16199547 (cited by Labcorp Genetics (formerly Invitae), Labcorp).